The following is an entry in ClinVar:

ClinVar aggregate classification (germline): Uncertain significance (1 of 4 stars; one submission).

Submission:

GeneDx
Classification: Uncertain significance. Last evaluated: 2024-08-27. Review status: criteria provided, single submitter. Criteria: GeneDx Variant Classification Process June 2021. Collection method: clinical testing. Allele origin: germline. Affected: yes.
Comment: Not observed at significant frequency in large population cohorts (gnomAD); In silico analysis indicates that this missense variant does not alter protein structure/function; Has not been previously published as pathogenic or benign to our knowledge

NM_019066.5(MAGEL2):c.2691C>A (p.Asp897Glu)

Gene: MAGEL2 (MAGE family member L2; minus strand). Cytogenetic location: 15q11.2.
Variant type: single nucleotide variant.
Coding change: c.2691C>A on transcript NM_019066.5 (MANE Select); coding-DNA position 2691, C replaced by A.
Protein change: p.Asp897Glu; replaces aspartic acid 897 with glutamic acid.
Molecular consequence: missense variant.
Genome position (GRCh38, 1-based): chr15:23,645,052, G>T on the plus strand (C>A on the coding strand, the complement: MAGEL2 is on the minus strand). VCF-style: chr15-23645052-G-T. GRCh37 (hg19) VCF-style: chr15-23890199-G-T.
Other names: short protein forms D897E.
Identifiers: ClinVar variation 3766283 (VCV003766283.1).